The following is an entry in ClinVar:

ClinVar aggregate classification (germline): Likely benign. Review status: criteria provided, multiple submitters, no conflicts (2 of 4 stars). 5 submissions from 5 submitters: Likely benign (5). Last evaluated 2026-05-04.

Conditions:
Cardiovascular phenotype. Identifiers: MedGen CN230736.

Allele frequency attached by ClinVar (database versions not stated): gnomAD 0.00009 and 0.00008; gnomAD exomes 0.00014; TOPMed 0.00008; 1000 Genomes Project 30x 0.00031.
gnomAD v4.1: 118 of 1,549,262 alleles (0.0076%); highest among the groups gnomAD compares: East Asian, 0.034%; no homozygotes.

Submissions (5):

Women's Health and Genetics/Laboratory Corporation of America, LabCorp
Classification: Likely benign. Last evaluated: 2026-05-04. Review status: criteria provided, single submitter. Criteria: LabCorp Variant Classification Summary - May 2015. Collection method: clinical testing. Allele origin: germline.

Labcorp Genetics (formerly Invitae), Labcorp
Classification: Likely benign. Last evaluated: 2026-01-12. Review status: criteria provided, single submitter. Criteria: Invitae Variant Classification Sherloc (09022015). Collection method: clinical testing. Allele origin: germline.

Mayo Clinic Laboratories, Mayo Clinic
Classification: Likely benign. Last evaluated: 2025-06-25. Review status: criteria provided, single submitter. Criteria: ACMG Guidelines, 2015. Collection method: clinical testing. Allele origin: germline. Observed: 1 variant allele.
Comment: BP4, BP7

Ambry Genetics
Classification: Likely benign for Cardiovascular phenotype. Last evaluated: 2022-02-11. Review status: criteria provided, single submitter. Criteria: Ambry Variant Classification Scheme 2023. Collection method: clinical testing. Allele origin: germline.

GeneDx
Classification: Likely benign. Last evaluated: 2021-09-03. Review status: criteria provided, single submitter. Criteria: GeneDx Variant Classification Process June 2021. Collection method: clinical testing. Allele origin: germline. Affected: yes.

NM_001367624.2(ZNF469):c.1521C>T (p.Pro507=)

Gene: ZNF469 (zinc finger protein 469; plus strand). Cytogenetic location: 16q24.2.
Variant type: single nucleotide variant.
Coding change: c.1521C>T on transcript NM_001367624.2 (MANE Select); coding-DNA position 1521, C replaced by T.
Protein change: p.Pro507=; no amino-acid change (proline 507 retained).
Molecular consequence: synonymous variant.
Genome position (GRCh38, 1-based): chr16:88,428,991, C>T. VCF-style: chr16-88428991-C-T. GRCh37 (hg19) VCF-style: chr16-88495399-C-T.
Other names: NM_001127464.1:c.1521C>T; p.Pro507=.
Identifiers: ClinVar variation 1182756 (VCV001182756.14), dbSNP rs1042676401, ClinGen allele CA286372834.